The following is an entry in ClinVar:

NC_012920.1(MT-ND4):m.11981C>T

Gene: MT-ND4 (mitochondrially encoded NADH dehydrogenase 4; plus strand).
Variant type: single nucleotide variant.
Genome position: chrM-11981-C-T.
Identifiers: ClinVar variation 693394 (VCV000693394.1), dbSNP rs386829143, ClinGen allele CA337099362.

ClinVar aggregate classification (germline): Uncertain significance (1 of 4 stars; one submission).

Conditions:
Leigh syndrome (NULS). Also called: Leigh's necrotizing encephalopathy; Leigh's disease; Leigh Syndrome (mtDNA deletion); Leigh Disease; Subacute necrotizing encephalopathy; Necrotizing encephalopathy infantile subacute of Leigh. Identifiers: Orphanet 506, MedGen C2931891, MONDO:0009723, OMIM 256000.

Submission:

Wong Mito Lab, Molecular and Human Genetics, Baylor College of Medicine
Classification: Uncertain significance for Leigh syndrome. Last evaluated: 2019-10-17. Review status: criteria provided, single submitter. Criteria: Modified ACMG Guidelines (Unpublished). Collection method: clinical testing. Allele origin: germline.
Comment: The NC_012920.1:m.11981C>T (YP_003024035.1:p.Leu408Phe) variant in MTND4 gene is interpretated to be a Uncertain Significance variant based on the modified ACMG guidelines (unpublished). This variant meets the following evidence codes: PP3, PP6